The following is an entry in ClinVar:

ClinVar aggregate classification (germline): Pathogenic (1 of 4 stars; one submission).

Conditions:
Autosomal recessive polycystic kidney disease (ARPKD). Also called: AR polycystic kidney disease. Identifiers: Orphanet 731, Orphanet 8378, MedGen C0085548, MeSH D017044, MONDO:0009889.

Allele frequency attached by ClinVar (database versions not stated): gnomAD exomes below 0.00001.
gnomAD v4.1: 1 of 1,612,046 alleles (0.000062%); highest among the groups gnomAD compares: Non-Finnish European, 0.000085%; no homozygotes.

Submission:

Labcorp Genetics (formerly Invitae), Labcorp
Classification: Pathogenic for Autosomal recessive polycystic kidney disease. Last evaluated: 2023-01-31. Review status: criteria provided, single submitter. Criteria: Invitae Variant Classification Sherloc (09022015). Collection method: clinical testing. Allele origin: germline.
Comment: This variant is not present in population databases (gnomAD no frequency). For these reasons, this variant has been classified as Pathogenic. This variant has not been reported in the literature in individuals affected with PKHD1-related conditions. This sequence change creates a premature translational stop signal (p.Tyr2341*) in the PKHD1 gene. It is expected to result in an absent or disrupted protein product. Loss-of-function variants in PKHD1 are known to be pathogenic (PMID: 19940839).

Literature cited by the submitters: PubMed 19940839.

NM_138694.4(PKHD1):c.7023T>A (p.Tyr2341Ter)

Gene: PKHD1 (PKHD1 ciliary IPT domain containing fibrocystin/polyductin; minus strand). Cytogenetic location: 6p12.2.
Variant type: single nucleotide variant.
Coding change: c.7023T>A on transcript NM_138694.4 (MANE Select); coding-DNA position 7023, T replaced by A.
Protein change: p.Tyr2341Ter; replaces tyrosine 2341 with a stop codon.
Molecular consequence: nonsense.
Genome position (GRCh38, 1-based): chr6:51,887,219, A>T on the plus strand (T>A on the coding strand, the complement: PKHD1 is on the minus strand). VCF-style: chr6-51887219-A-T. GRCh37 (hg19) VCF-style: chr6-51752017-A-T.
Other names: c.7023T>A, p.Tyr2341Ter (NM_170724.3); short protein forms Y2341*.
Identifiers: ClinVar variation 2833152 (VCV002833152.3), dbSNP rs2536253868, ClinGen allele CA364424628.